The following is an entry in ClinVar:

ClinVar aggregate classification (germline): Likely benign (1 of 4 stars; one submission).

Allele frequency attached by ClinVar (database versions not stated): TOPMed 0.00003; gnomAD exomes 0.00017; gnomAD 0.00030; ExAC 0.00036.
gnomAD v4.1: 269 of 1,466,788 alleles (0.018%); highest among the groups gnomAD compares: East Asian, 0.009%; 1 homozygote.

Submission:

CeGaT Center for Human Genetics Tuebingen
Classification: Likely benign. Last evaluated: 2023-08-01. Review status: criteria provided, single submitter. Criteria: CeGaT Center For Human Genetics Tuebingen Variant Classification Criteria Version 2. Collection method: clinical testing. Allele origin: germline. Affected: yes. Observed: 1 variant allele.
Comment: FBXO11: BP4, BS2

NM_001190274.2(FBXO11):c.-5G>A

Genes: FBXO11 (F-box protein 11; minus strand), LOC100506235 (uncharacterized LOC100506235; plus strand). Cytogenetic location: 2p16.3.
Variant type: single nucleotide variant.
Coding change: c.-5G>A on transcript NM_001190274.2 (MANE Select); 5 bases upstream of the start codon, G replaced by A.
Molecular consequence: 5 prime UTR variant. On other transcripts: non-coding transcript variant (1).
Genome position (GRCh38, 1-based): chr2:47,905,725, C>T on the plus strand (G>A on the coding strand, the complement: FBXO11 is on the minus strand). VCF-style: chr2-47905725-C-T. GRCh37 (hg19) VCF-style: chr2-48132864-C-T.
Identifiers: ClinVar variation 2650891 (VCV002650891.24), dbSNP rs565016056, ClinGen allele CA1650259.